The following is an entry in ClinVar:

NM_000268.4(NF2):c.545A>G (p.Glu182Gly)

Gene: NF2 (NF2, moesin-ezrin-radixin like (MERLIN) tumor suppressor; plus strand). Cytogenetic location: 22q12.2.
Variant type: single nucleotide variant.
Coding change: c.545A>G on transcript NM_000268.4 (MANE Select); coding-DNA position 545, A replaced by G.
Protein change: p.Glu182Gly; replaces glutamic acid 182 with glycine.
Molecular consequence: missense variant. On other transcripts: non-coding transcript variant (1), intron variant (1).
Genome position (GRCh38, 1-based): chr22:29,655,622, A>G. VCF-style: chr22-29655622-A-G. GRCh37 (hg19) VCF-style: chr22-30051611-A-G.
Other names: c.545A>G, p.Glu182Gly (NM_016418.5, NM_181825.3, NM_181832.3); c.419A>G, p.Glu140Gly (NM_181828.3); c.422A>G, p.Glu141Gly (NM_181829.3); c.296A>G, p.Glu99Gly (NM_181830.3, NM_181831.3); c.447+13337A>G (NM_181833.3); short protein forms E182G, E99G, E141G, E140G.
Identifiers: ClinVar variation 844334 (VCV000844334.14), dbSNP rs2066279652, ClinGen allele CA411142574.

ClinVar aggregate classification (germline): Uncertain significance. Review status: criteria provided, multiple submitters, no conflicts (2 of 4 stars). 3 submissions from 3 submitters: Uncertain significance (3). Last evaluated 2026-02-04.

Conditions:
Neurofibromatosis, type 2 (SWNV). Also called: BILATERAL ACOUSTIC NEUROFIBROMATOSIS; SCHWANNOMATOSIS, VESTIBULAR; NF2-Related Schwannomatosis. Identifiers: Orphanet 637, MedGen C0027832, MONDO:0007039, OMIM 101000. Disease mechanism: loss of function.
Hereditary cancer-predisposing syndrome. Also called: Tumor predisposition; Hereditary Cancer Syndrome; Hereditary neoplastic syndrome; Neoplastic Syndromes, Hereditary. Identifiers: Orphanet 140162, MedGen C0027672, MeSH D009386, MONDO:0015356.

Submissions (3):

Labcorp Genetics (formerly Invitae), Labcorp
Classification: Uncertain significance for Neurofibromatosis, type 2. Last evaluated: 2026-02-04. Review status: criteria provided, single submitter. Criteria: Invitae Variant Classification Sherloc (09022015). Collection method: clinical testing. Allele origin: germline.
Comment: This sequence change replaces glutamic acid, which is acidic and polar, with glycine, which is neutral and non-polar, at codon 182 of the NF2 protein (p.Glu182Gly). This variant is not present in population databases (gnomAD no frequency). This variant has not been reported in the literature in individuals affected with NF2-related conditions. ClinVar contains an entry for this variant (Variation ID: 844334). Invitae Evidence Modeling of protein sequence and biophysical properties (such as structural, functional, and spatial information, amino acid conservation, physicochemical variation, residue mobility, and thermodynamic stability) has been performed for this missense variant. However, the output from this modeling did not meet the statistical confidence thresholds required to predict the impact of this variant on NF2 protein function. In summary, the available evidence is currently insufficient to determine the role of this variant in disease. Therefore, it has been classified as a Variant of Uncertain Significance.

Ambry Genetics
Classification: Uncertain significance for Hereditary cancer-predisposing syndrome. Last evaluated: 2025-10-28. Review status: criteria provided, single submitter. Criteria: Ambry Variant Classification Scheme 2023. Collection method: clinical testing. Allele origin: germline.
Comment: The p.E182G variant (also known as c.545A>G), located in coding exon 6 of the NF2 gene, results from an A to G substitution at nucleotide position 545. The glutamic acid at codon 182 is replaced by glycine, an amino acid with similar properties. This amino acid position is conserved. In addition, the in silico prediction for this alteration is inconclusive. Based on the available evidence, the clinical significance of this variant remains unclear.

All of Us Research Program, National Institutes of Health
Classification: Uncertain significance for Neurofibromatosis, type 2. Last evaluated: 2024-03-24. Review status: criteria provided, single submitter. Criteria: ACMG Guidelines, 2015. Collection method: clinical testing. Allele origin: germline. Inheritance: Autosomal dominant inheritance. Observed: 1 variant allele, 1 heterozygote.
Comment: This missense variant replaces glutamic acid with glycine at codon 182 of the NF2 protein. Computational prediction is inconclusive regarding the impact of this variant on protein structure and function. To our knowledge, functional studies have not been reported for this variant. This variant has not been reported in individuals affected with NF2-related disorders in the literature. This variant has not been identified in the general population by the Genome Aggregation Database (gnomAD). The available evidence is insufficient to determine the role of this variant in disease conclusively. Therefore, this variant is classified as a Variant of Uncertain Significance.

This study involves interpretation of variants in research participants for the purpose of population health screening. Participant phenotype was not available at the time of variant classification. Additional details can be found in publication PMID: 35346344, PMCID: PMC8962531